The following is an entry in ClinVar:

ClinVar aggregate classification (germline): Pathogenic/Likely pathogenic. Review status: criteria provided, multiple submitters, no conflicts (2 of 4 stars). 4 submissions from 4 submitters: Pathogenic (1); Likely pathogenic (2). 1 of the submissions does not count toward it. Last evaluated 2025-06-17.

Conditions:
Microcephaly, normal intelligence and immunodeficiency (NBS). Also called: IMMUNODEFICIENCY, MICROCEPHALY, AND CHROMOSOMAL INSTABILITY; Ataxia telangiectasia variant V1; SEEMANOVA SYNDROME II; Immunodeficiency, microcephaly with normal intelligence; Nijmegen breakage syndrome; Microcephaly with normal intelligence immunodeficiency and lymphoreticular malignancies. Identifiers: Orphanet 647, MedGen C0398791, MONDO:0009623, OMIM 251260.
Aplastic anemia. Identifiers: Orphanet 182040, Orphanet 88, MedGen C0002874, MONDO:0015909, OMIM 609135, HP:0001915.
Gastric cancer. Also called: Stomach cancer; Malignant tumor of stomach. Identifiers: MedGen C0024623, MeSH D013274, MONDO:0001056, OMIM 613659, HP:0012126.

Allele frequency attached by ClinVar (database versions not stated): gnomAD exomes below 0.00001.

Submissions (4):

Natera, Inc.
Classification: Likely pathogenic for Nijmegen breakage syndrome. Last evaluated: 2025-06-17. Review status: criteria provided, single submitter. Criteria: Natera Variant Classification Schema (03/2026). Collection method: clinical testing. Allele origin: germline.
Comment: The c.1523dup variant in NBN is a frameshift variant predicted to shift the reading frame beginning at codon 509 and leads to a stop codon 2 codons downstream. This variant is expected to result in nonsense mediated decay, truncation, or a dysfunctional protein product. This variant is rare in the general population with a frequency below the threshold expected for the associated phenotype(s). Given the available evidence, this variant is classified as Likely Pathogenic.

Baylor Genetics
Classification: Likely pathogenic for Aplastic anemia. Last evaluated: 2023-08-26. Review status: criteria provided, single submitter. Criteria: ACMG Guidelines, 2015. Collection method: clinical testing. Allele origin: unknown.

Labcorp Genetics (formerly Invitae), Labcorp
Classification: Pathogenic for Microcephaly, normal intelligence and immunodeficiency. Last evaluated: 2021-10-18. Review status: criteria provided, single submitter. Criteria: Invitae Variant Classification Sherloc (09022015). Collection method: clinical testing. Allele origin: germline.
Comment: This sequence change creates a premature translational stop signal (p.Ser509Ilefs*2) in the NBN gene. It is expected to result in an absent or disrupted protein product. Loss-of-function variants in NBN are known to be pathogenic (PMID: 9590180, 16415040). This variant is not present in population databases (ExAC no frequency). This premature translational stop signal has been observed in individual(s) with prostate cancer (PMID: 31214711). For these reasons, this variant has been classified as Pathogenic.

Laboratory for Genotyping Development, RIKEN
Classification: Pathogenic for Gastric cancer. Last evaluated: 2021-07-01. Review status: no assertion criteria provided. Collection method: research. Allele origin: germline. Not counted in ClinVar's aggregate classification.

Literature cited by the submitters: PubMed 9590180 (cited by Labcorp Genetics (formerly Invitae), Labcorp); PubMed 16415040 (cited by Labcorp Genetics (formerly Invitae), Labcorp); PubMed 31214711 (cited by Labcorp Genetics (formerly Invitae), Labcorp); PubMed 36988593 (cited by Laboratory for Genotyping Development, RIKEN).

NM_002485.5(NBN):c.1523dup (p.Ser509fs)

Gene: NBN (nibrin; minus strand). Cytogenetic location: 8q21.3.
Variant type: Duplication.
Coding change: c.1523dup on transcript NM_002485.5 (MANE Select); coding-DNA position 1523, one base duplicated (T; older notation c.1523dupT).
Protein change: p.Ser509fs; shifts the reading frame from serine 509.
Molecular consequence: frameshift variant.
Genome position (GRCh38, 1-based): chr8:89,953,566, A duplicated on the plus strand (T on the coding strand, the reverse complement: NBN is on the minus strand). VCF-style (leftmost placement, unchanged base first): chr8-89953565-T-TA. GRCh37 (hg19) VCF-style: chr8-90965793-T-TA.
Other names: c.1523dup (NM_002485.4); c.1277dup, p.Ser427fs (NM_001024688.3); short protein forms S427fs, S509fs.
Identifiers: ClinVar variation 1369995 (VCV001369995.24), dbSNP rs1586054199, ClinGen allele CA918312387.